The following is an entry in ClinVar:

NM_001080467.3(MYO5B):c.3518A>C (p.Gln1173Pro)

Gene: MYO5B (myosin VB; minus strand). Cytogenetic location: 18q21.1.
Variant type: single nucleotide variant.
Coding change: c.3518A>C on transcript NM_001080467.3 (MANE Select); coding-DNA position 3518, A replaced by C.
Protein change: p.Gln1173Pro; replaces glutamine 1173 with proline.
Molecular consequence: missense variant.
Genome position (GRCh38, 1-based): chr18:49,875,706, T>G on the plus strand (A>C on the coding strand, the complement: MYO5B is on the minus strand). VCF-style: chr18-49875706-T-G. GRCh37 (hg19) VCF-style: chr18-47402076-T-G.
Other names: short protein forms Q1173P.
Identifiers: ClinVar variation 1522911 (VCV001522911.3), dbSNP rs755694499, ClinGen allele CA8960703.

ClinVar aggregate classification (germline): Uncertain significance (1 of 4 stars; one submission).

Allele frequency attached by ClinVar (database versions not stated): ExAC 0.00001; gnomAD exomes 0.00001.
gnomAD v4.1: 3 of 1,614,192 alleles (0.00019%); highest among the groups gnomAD compares: Admixed American, 0.0017%; no homozygotes.

Submission:

Labcorp Genetics (formerly Invitae), Labcorp
Classification: Uncertain significance. Last evaluated: 2022-07-05. Review status: criteria provided, single submitter. Criteria: Invitae Variant Classification Sherloc (09022015). Collection method: clinical testing. Allele origin: germline.
Comment: This sequence change replaces glutamine, which is neutral and polar, with proline, which is neutral and non-polar, at codon 1173 of the MYO5B protein (p.Gln1173Pro). This variant is present in population databases (rs755694499, gnomAD 0.003%). This variant has not been reported in the literature in individuals affected with MYO5B-related conditions. ClinVar contains an entry for this variant (Variation ID: 1522911). Algorithms developed to predict the effect of missense changes on protein structure and function (SIFT, PolyPhen-2, Align-GVGD) all suggest that this variant is likely to be tolerated. In summary, the available evidence is currently insufficient to determine the role of this variant in disease. Therefore, it has been classified as a Variant of Uncertain Significance.